The following is an entry in ClinVar:

ClinVar aggregate classification (germline): Pathogenic. Review status: criteria provided, multiple submitters, no conflicts (2 of 4 stars). 7 submissions from 7 submitters: Pathogenic (7). Last evaluated 2025-06-09.

Conditions:
Hereditary cancer-predisposing syndrome. Also called: Neoplastic Syndromes, Hereditary; Hereditary neoplastic syndrome; Tumor predisposition; Hereditary Cancer Syndrome. Identifiers: Orphanet 140162, MedGen C0027672, MeSH D009386, MONDO:0015356.
Cardiovascular phenotype. Identifiers: MedGen CN230736.
Neurofibromatosis, type 1 (NF1). Also called: NEUROFIBROMATOSIS, TYPE I, SOMATIC; VON RECKLINGHAUSEN DISEASE; Peripheral type neurofibromatosis; Neurofibromatosis, type I. Identifiers: Orphanet 636, MedGen C0027831, MONDO:0018975, OMIM 162200. Disease mechanism: loss of function.

Allele frequency attached by ClinVar (database versions not stated): gnomAD exomes below 0.00001.
gnomAD v4.1: 1 of 1,589,816 alleles (0.000063%); highest among the groups gnomAD compares: Non-Finnish European, 0.000086%; no homozygotes.

Submissions (8):

Ambry Genetics
Classification: Pathogenic for Cardiovascular phenotype; Hereditary cancer-predisposing syndrome. Last evaluated: 2025-06-09. Review status: criteria provided, single submitter. Criteria: Ambry Variant Classification Scheme 2023. Collection method: clinical testing. Allele origin: germline.
Comment: The c.586+1G>A intronic pathogenic mutation results from a G to A substitution one nucleotide after coding exon 5 of the NF1 gene. This mutation has been reported in individuals with neurofibromatosis type 1 (Fahsold R et al. Am J Hum Genet 2000 Mar;66(3):790-818; Sabbagh A et al. Hum Mutat 2013 Nov;34(11):1510-8). In silico splice site analysis predicts that this alteration will weaken the native splice donor site. RNA studies have demonstrated that this alteration results in abnormal splicing in the set of samples tested (Ambry internal data). Alterations that disrupt the canonical splice site are expected to cause aberrant splicing, resulting in an abnormal protein or a transcript that is subject to nonsense-mediated mRNA decay. Based on the supporting evidence, this alteration is interpreted as a disease-causing mutation.

Labcorp Genetics (formerly Invitae), Labcorp
Classification: Pathogenic for Neurofibromatosis, type 1. Last evaluated: 2023-06-22. Review status: criteria provided, single submitter. Criteria: Invitae Variant Classification Sherloc (09022015). Collection method: clinical testing. Allele origin: germline.
Comment: Disruption of this splice site has been observed in individuals with neurofibromatosis type 1 (PMID: 10712197, 17311297). For these reasons, this variant has been classified as Pathogenic. Algorithms developed to predict the effect of sequence changes on RNA splicing suggest that this variant may disrupt the consensus splice site. ClinVar contains an entry for this variant (Variation ID: 547567). This variant is not present in population databases (gnomAD no frequency). This sequence change affects a donor splice site in intron 5 of the NF1 gene. It is expected to disrupt RNA splicing. Variants that disrupt the donor or acceptor splice site typically lead to a loss of protein function (PMID: 16199547), and loss-of-function variants in NF1 are known to be pathogenic (PMID: 10712197, 23913538).

3billion
Classification: Pathogenic for Neurofibromatosis, type 1. Last evaluated: 2022-05-22. Review status: criteria provided, single submitter. Criteria: ACMG Guidelines, 2015. Collection method: clinical testing. Allele origin: germline. Affected: yes. Observed: 1 heterozygote.
Comment: Canonical splice site: predicted to alter splicing and result in a loss or disruption of normal protein function through nonsense-mediated decay (NMD) or protein truncation. Multiple pathogenic variants are reported downstream of the variant. It is not observed in the gnomAD v2.1.1 dataset. The variant has been reported at least twice as pathogenic with clinical assertions and evidence for the classification (ClinVar ID: VCV000547567). Therefore, this variant is classified as pathogenic according to the recommendation of ACMG/AMP guideline.

Genome-Nilou Lab
Classification: Pathogenic for Neurofibromatosis, type 1. Last evaluated: 2022-03-15. Review status: criteria provided, single submitter. Criteria: ACMG Guidelines, 2015. Collection method: clinical testing. Allele origin: germline. Affected: no.

GeneDx
Classification: Pathogenic. Last evaluated: 2021-06-11. Review status: criteria provided, single submitter. Criteria: GeneDx Variant Classification Process June 2021. Collection method: clinical testing. Allele origin: germline. Affected: yes.
Comment: Canonical splice site variant in a gene for which loss-of-function is a known mechanism of disease; Not observed in large population cohorts (Lek 2016); This variant is associated with the following publications: (PMID: 30098238, 27535533, 23399325, 10712197)

Genome Diagnostics Laboratory, The Hospital for Sick Children
Classification: Pathogenic for Neurofibromatosis, type 1. Last evaluated: 2020-10-26. Review status: criteria provided, single submitter. Criteria: ACMG Guidelines, 2015. Collection method: clinical testing. Allele origin: germline. Affected: yes.

Center for Human Genetics, Inc
Classification: Pathogenic for Neurofibromatosis, type 1. Last evaluated: 2016-11-01. Review status: criteria provided, single submitter. Criteria: ACMG Guidelines, 2015. Collection method: clinical testing. Allele origin: germline. Affected: yes.

Dr. Peter K. Rogan Lab, Western University
No classification provided (evidence only). Condition: Glioma susceptibility 1. Review status: no classification provided. Collection method: in vitro. Allele origin: not applicable. Functional consequence: skipped exon. Not counted in ClinVar's aggregate classification.

Literature cited by the submitters: PubMed 10712197 (cited by Labcorp Genetics (formerly Invitae), Labcorp); PubMed 17311297 (cited by Labcorp Genetics (formerly Invitae), Labcorp); PubMed 16199547 (cited by Labcorp Genetics (formerly Invitae), Labcorp and 3billion); PubMed 23913538 (cited by Labcorp Genetics (formerly Invitae), Labcorp).

NM_001042492.3(NF1):c.586+1G>A

Gene: NF1 (neurofibromin 1; plus strand). Cytogenetic location: 17q11.2.
Variant type: single nucleotide variant.
Coding change: c.586+1G>A on transcript NM_001042492.3 (MANE Select); the canonical splice donor site of the intron after coding-DNA position 586, G replaced by A.
Molecular consequence: splice donor variant.
Genome position (GRCh38, 1-based): chr17:31,169,998, G>A. VCF-style: chr17-31169998-G-A. GRCh37 (hg19) VCF-style: chr17-29497016-G-A.
Other names: c.586+1G>A (NM_000267.4, NM_001128147.3).
Identifiers: ClinVar variation 547567 (VCV000547567.19), dbSNP rs1555607126, ClinGen allele CA398985539.